The following is an entry in ClinVar:

ClinVar aggregate classification (germline): Uncertain significance. Review status: criteria provided, multiple submitters, no conflicts (2 of 4 stars). 4 submissions from 4 submitters: Uncertain significance (4). Last evaluated 2022-07-26.

Conditions:
Familial thoracic aortic aneurysm and aortic dissection (TAAD). Also called: Thoracic aortic aneurysms and dissections. Identifiers: Orphanet 91387, MedGen C4707243, MONDO:0019625.
Ehlers-Danlos syndrome, kyphoscoliotic type 1 (EDSKSCL1). Also called: EHLERS-DANLOS SYNDROME, TYPE VIA; Ehlers-Danlos syndrome, hydroxylysine-deficient; EHLERS-DANLOS SYNDROME, OCULAR-SCOLIOTIC TYPE; PLOD1-Related Kyphoscoliotic Ehlers-Danlos Syndrome. Identifiers: Orphanet 1900, MedGen C0268342, MONDO:0016002, OMIM 225400. Disease mechanism: loss of function.

Allele frequency attached by ClinVar (database versions not stated): gnomAD 0.00004; TOPMed 0.00007.
gnomAD v4.1: 37 of 1,613,570 alleles (0.0023%); highest among the groups gnomAD compares: East Asian, 0.029%; no homozygotes.

Submissions (4):

Labcorp Genetics (formerly Invitae), Labcorp
Classification: Uncertain significance for Ehlers-Danlos syndrome, kyphoscoliotic type 1. Last evaluated: 2022-07-26. Review status: criteria provided, single submitter. Criteria: Invitae Variant Classification Sherloc (09022015). Collection method: clinical testing. Allele origin: germline.
Comment: This sequence change replaces arginine, which is basic and polar, with histidine, which is basic and polar, at codon 205 of the PLOD1 protein (p.Arg205His). This variant is present in population databases (rs536503346, gnomAD 0.02%). This variant has not been reported in the literature in individuals affected with PLOD1-related conditions. ClinVar contains an entry for this variant (Variation ID: 292287). Algorithms developed to predict the effect of missense changes on protein structure and function are either unavailable or do not agree on the potential impact of this missense change (SIFT: "Deleterious"; PolyPhen-2: "Benign"; Align-GVGD: "Class C0"). In summary, the available evidence is currently insufficient to determine the role of this variant in disease. Therefore, it has been classified as a Variant of Uncertain Significance.

Ambry Genetics
Classification: Uncertain significance for Familial thoracic aortic aneurysm and aortic dissection. Last evaluated: 2022-07-06. Review status: criteria provided, single submitter. Criteria: Ambry Variant Classification Scheme 2023. Collection method: clinical testing. Allele origin: germline.
Comment: The p.R205H variant (also known as c.614G>A), located in coding exon 6 of the PLOD1 gene, results from a G to A substitution at nucleotide position 614. The arginine at codon 205 is replaced by histidine, an amino acid with highly similar properties. This amino acid position is conserved. In addition, the in silico prediction for this alteration is inconclusive. Since supporting evidence is limited at this time, the clinical significance of this alteration remains unclear.

GeneDx
Classification: Uncertain significance. Last evaluated: 2022-03-02. Review status: criteria provided, single submitter. Criteria: GeneDx Variant Classification Process June 2021. Collection method: clinical testing. Allele origin: germline. Affected: yes.
Comment: Has not been previously published as pathogenic or benign to our knowledge; In silico analysis supports that this missense variant has a deleterious effect on protein structure/function

Illumina Laboratory Services, Illumina
Classification: Uncertain significance for Ehlers-Danlos syndrome, kyphoscoliotic type 1. Last evaluated: 2018-01-12. Review status: criteria provided, single submitter. Criteria: ICSL Variant Classification Criteria 13 December 2019. Collection method: clinical testing. Allele origin: germline.

NM_000302.4(PLOD1):c.614G>A (p.Arg205His)

Gene: PLOD1 (procollagen-lysine,2-oxoglutarate 5-dioxygenase 1; plus strand). Cytogenetic location: 1p36.22.
Variant type: single nucleotide variant.
Coding change: c.614G>A on transcript NM_000302.4 (MANE Select); coding-DNA position 614, G replaced by A.
Protein change: p.Arg205His; replaces arginine 205 with histidine.
Molecular consequence: missense variant.
Genome position (GRCh38, 1-based): chr1:11,954,864, G>A. VCF-style: chr1-11954864-G-A. GRCh37 (hg19) VCF-style: chr1-12014921-G-A.
Other names: c.755G>A, p.Arg252His (NM_001316320.2); short protein forms R205H, R252H.
Identifiers: ClinVar variation 292287 (VCV000292287.12), dbSNP rs536503346, ClinGen allele CA598010.
Genomic context (GRCh38, chr1:11,954,864, plus strand): 5'-GCAGTCTGGTACCTTCTTTCCTGCAGGAGCAGATCAATATCACCCTGGACCACCGCTGCC[G>A]TATCTTCCAGAACCTGGATGGAGCCTTGGGTGAGCAGCCCCCACGGGGAGGGGTGGATCC-3'
Protein context (NP_000293.2, residues 195-215): QINITLDHRC[Arg205His]IFQNLDGALD